The following is an entry in ClinVar:

ClinVar aggregate classification (germline): Uncertain significance (1 of 4 stars; one submission).

gnomAD v4.1: 3 of 1,614,168 alleles (0.00019%); highest among the groups gnomAD compares: Non-Finnish European, 0.00025%; no homozygotes.

Submission:

Women's Health and Genetics/Laboratory Corporation of America, LabCorp
Classification: Uncertain significance. Last evaluated: 2025-04-03. Review status: criteria provided, single submitter. Criteria: LabCorp Variant Classification Summary - May 2015. Collection method: clinical testing. Allele origin: germline.
Comment: Variant summary: COL4A3 c.1687G>T (p.Gly563Trp) results in a non-conservative amino acid change in the encoded protein sequence. Five of five in-silico tools predict a damaging effect of the variant on protein function. The variant was absent in 249518 control chromosomes. The available data on variant occurrences in the general population are insufficient to allow any conclusion about variant significance. To our knowledge, no occurrence of c.1687G>T in individuals affected with Alport Syndrome, Autosomal Recessive and no experimental evidence demonstrating its impact on protein function have been reported. No submitters have cited clinical-significance assessments for this variant to ClinVar. Based on the evidence outlined above, the variant was classified as uncertain significance.

NM_000091.5(COL4A3):c.1687G>T (p.Gly563Trp)

Genes: COL4A3 (collagen type IV alpha 3 chain; plus strand), MFF-DT (MFF divergent transcript; minus strand). Cytogenetic location: 2q36.3.
Variant type: single nucleotide variant.
Coding change: c.1687G>T on transcript NM_000091.5 (MANE Select); coding-DNA position 1687, G replaced by T.
Protein change: p.Gly563Trp; replaces glycine 563 with tryptophan.
Molecular consequence: missense variant.
Genome position (GRCh38, 1-based): chr2:227,270,881, G>T. VCF-style: chr2-227270881-G-T. GRCh37 (hg19) VCF-style: chr2-228135597-G-T.
Other names: short protein forms G563W.
Identifiers: ClinVar variation 3896514 (VCV003896514.2).